The following is an entry in ClinVar:

NM_000062.3(SERPING1):c.1478G>A (p.Gly493Glu)

Gene: SERPING1 (serpin family G member 1; plus strand). Cytogenetic location: 11q12.1.
Variant type: single nucleotide variant.
Coding change: c.1478G>A on transcript NM_000062.3 (MANE Select); coding-DNA position 1478, G replaced by A.
Protein change: p.Gly493Glu; replaces glycine 493 with glutamic acid.
Molecular consequence: missense variant.
Genome position (GRCh38, 1-based): chr11:57,614,556, G>A. VCF-style: chr11-57614556-G-A. GRCh37 (hg19) VCF-style: chr11-57382029-G-A.
Other names: c.1478G>A, p.Gly493Glu (NM_001032295.2); short protein forms G493E.
Identifiers: ClinVar variation 3257750 (VCV003257750.2).

ClinVar aggregate classification (germline): Pathogenic (1 of 4 stars; one submission).

Conditions:
Hereditary angioedema type 1 (HAE1). Identifiers: Orphanet 100050, Orphanet 100051, Orphanet 91378, MedGen C2717906, MONDO:0015053, OMIM 106100.

Submission:

DNA-diagnostics Laboratory, Research Centre For Medical Genetics
Classification: Pathogenic for Hereditary angioedema type 1. Last evaluated: 2024-08-02. Review status: criteria provided, single submitter. Criteria: ACMG Guidelines, 2015. Collection method: research. Allele origin: germline. Inheritance: Autosomal dominant inheritance. Affected: yes. Observed: 1 heterozygote.
Comment: According to our observation and published information (Blanch et al., 2002, Kalmár et al., 2003, Bors et al., 2013, Bafunno et al., 2014, Loules et al., 2018), the c.1478G>A variant in SERPING1 meets ACMG/ClinGen SVI guidance criteria to be classified as pathogenic: PP3_Str, PP4_Str, PS4_Mod, PM2_Sup

Literature cited by the submitters: PubMed 12402344; DOI 10.1002/humu.9202; DOI 10.1016/j.gene.2018.05.029; DOI 10.1111/ahg.12052; DOI 10.1016/j.jaci.2012.12.1577.